The following is an entry in ClinVar:

NM_004752.4(GCM2):c.1110G>A (p.Thr370=)

Gene: GCM2 (glial cells missing transcription factor 2; minus strand). Cytogenetic location: 6p24.2.
Variant type: single nucleotide variant.
Coding change: c.1110G>A on transcript NM_004752.4 (MANE Select); coding-DNA position 1110, G replaced by A.
Protein change: p.Thr370=; no amino-acid change (threonine 370 retained).
Molecular consequence: synonymous variant.
Genome position (GRCh38, 1-based): chr6:10,874,406, C>T on the plus strand (G>A on the coding strand, the complement: GCM2 is on the minus strand). VCF-style: chr6-10874406-C-T. GRCh37 (hg19) VCF-style: chr6-10874639-C-T.
Identifiers: ClinVar variation 3040457 (VCV003040457.2), dbSNP rs143678497, ClinGen allele CA3633947.

ClinVar aggregate classification (germline): Likely benign (0 of 4 stars; one submission).

Conditions:
GCM2-related disorder. Also called: GCM2-related condition.

Allele frequency attached by ClinVar (database versions not stated): gnomAD exomes 0.00002; gnomAD 0.00005; TOPMed 0.00005; ExAC 0.00007; ESP Exome Variant Server 0.00008.

Submission:

PreventionGenetics, part of Exact Sciences
Classification: Likely benign for GCM2-related condition. Last evaluated: 2019-09-10. Review status: no assertion criteria provided. Collection method: clinical testing. Allele origin: germline.
Comment: This variant is classified as likely benign based on ACMG/AMP sequence variant interpretation guidelines (Richards et al. 2015 PMID: 25741868, with internal and published modifications).